The following is an entry in ClinVar:

NM_001848.3(COL6A1):c.903+5G>A

Gene: COL6A1 (collagen type VI alpha 1 chain; plus strand). Cytogenetic location: 21q22.3.
Variant type: single nucleotide variant.
Coding change: c.903+5G>A on transcript NM_001848.3 (MANE Select); 5 bases into the intron after coding-DNA position 903, G replaced by A.
Molecular consequence: intron variant.
Genome position (GRCh38, 1-based): chr21:45,989,657, G>A. VCF-style: chr21-45989657-G-A. GRCh37 (hg19) VCF-style: chr21-47409571-G-A.
Identifiers: ClinVar variation 581551 (VCV000581551.7), dbSNP rs759468291, ClinGen allele CA10069832.
Genomic context (GRCh38, chr21:45,989,657, plus strand): 5'-CTGTGTTCCAGGGAAGACCCGGGGACCTCGGACCTGTTGGGTACCAGGGAATGAAGGTAC[G>A]TGCCCCCCCTTTCCTGGCCCGAGCCCGGTGGTGCCCTCAGCCTTGCACAGCACTAACAAG-3'

ClinVar aggregate classification (germline): Uncertain significance (1 of 4 stars; one submission).

Conditions:
Bethlem myopathy 1A. Also called: Bethlem myopathy 1; MYOPATHY, BENIGN CONGENITAL, WITH CONTRACTURES; Bethlem Muscular Dystrophy. Identifiers: Orphanet 610, MedGen CN029274, MONDO:0024530, OMIM 158810.

Allele frequency attached by ClinVar (database versions not stated): gnomAD 0.00001; TOPMed 0.00001; gnomAD exomes 0.00002 and 0.00004; ExAC 0.00005.
gnomAD v4.1: 23 of 1,613,006 alleles (0.0014%); highest among the groups gnomAD compares: South Asian, 0.0099%; 1 homozygote.

Submission:

Labcorp Genetics (formerly Invitae), Labcorp
Classification: Uncertain significance for Bethlem myopathy 1A. Last evaluated: 2023-08-22. Review status: criteria provided, single submitter. Criteria: Invitae Variant Classification Sherloc (09022015). Collection method: clinical testing. Allele origin: germline.
Comment: ClinVar contains an entry for this variant (Variation ID: 581551). This sequence change falls in intron 10 of the COL6A1 gene. It does not directly change the encoded amino acid sequence of the COL6A1 protein. It affects a nucleotide within the consensus splice site. This variant is present in population databases (rs759468291, gnomAD 0.01%). This variant has not been reported in the literature in individuals affected with COL6A1-related conditions. Variants that disrupt the consensus splice site are a relatively common cause of aberrant splicing (PMID: 17576681, 9536098). Algorithms developed to predict the effect of sequence changes on RNA splicing suggest that this variant is not likely to affect RNA splicing. In summary, the available evidence is currently insufficient to determine the role of this variant in disease. Therefore, it has been classified as a Variant of Uncertain Significance.

Literature cited by the submitters: PubMed 17576681; PubMed 9536098.